The following is an entry in ClinVar:

NM_003108.4(SOX11):c.352T>C (p.Tyr118His)

Gene: SOX11 (SRY-box transcription factor 11; plus strand). Cytogenetic location: 2p25.2.
Variant type: single nucleotide variant.
Coding change: c.352T>C on transcript NM_003108.4 (MANE Select); coding-DNA position 352, T replaced by C.
Protein change: p.Tyr118His; replaces tyrosine 118 with histidine.
Molecular consequence: missense variant.
Genome position (GRCh38, 1-based): chr2:5,693,073, T>C. VCF-style: chr2-5693073-T-C. GRCh37 (hg19) VCF-style: chr2-5833205-T-C.
Other names: short protein forms Y118H.
Identifiers: ClinVar variation 3167702 (VCV003167702.1), dbSNP rs2465087545, ClinGen allele CA345866526.
Genomic context (GRCh38, chr2:5,693,073, plus strand): 5'-TTCATCCGGGAGGCGGAGCGGCTGCGGCTCAAGCACATGGCCGACTACCCCGACTACAAG[T>C]ACCGGCCCCGGAAAAAGCCCAAAATGGACCCCTCGGCCAAGCCCAGCGCCAGCCAGAGCC-3'
Protein context (NP_003099.1, residues 108-128): KHMADYPDYK[Tyr118His]RPRKKPKMDP

ClinVar aggregate classification (germline): Likely pathogenic (1 of 4 stars; one submission).

Conditions:
Inborn genetic diseases. Identifiers: MedGen C0950123, MeSH D030342.

Submission:

Ambry Genetics
Classification: Likely pathogenic for Inborn genetic diseases. Last evaluated: 2023-10-04. Review status: criteria provided, single submitter. Criteria: Ambry Variant Classification Scheme 2023. Collection method: clinical testing. Allele origin: germline.
Comment: The c.352T>C (p.Y118H) alteration is located in exon 1 (coding exon 1) of the SOX11 gene. This alteration results from a T to C substitution at nucleotide position 352, causing the tyrosine (Y) at amino acid position 118 to be replaced by a histidine (H). This variant was not reported in population-based cohorts in the Genome Aggregation Database (gnomAD). This amino acid position is highly conserved in available vertebrate species. This missense alteration is located in a region that has a low rate of benign missense variation (Lek, 2016; Firth, 2009). The in silico prediction for this alteration is inconclusive. Based on the available evidence, this alteration is classified as likely pathogenic.